The following is an entry in ClinVar:

NM_012431.3(SEMA3E):c.1929G>C (p.Arg643Ser)

Gene: SEMA3E (semaphorin 3E; minus strand). Cytogenetic location: 7q21.11.
Variant type: single nucleotide variant.
Coding change: c.1929G>C on transcript NM_012431.3 (MANE Select); coding-DNA position 1929, G replaced by C.
Protein change: p.Arg643Ser; replaces arginine 643 with serine.
Molecular consequence: missense variant.
Genome position (GRCh38, 1-based): chr7:83,367,985, C>G on the plus strand (G>C on the coding strand, the complement: SEMA3E is on the minus strand). VCF-style: chr7-83367985-C-G. GRCh37 (hg19) VCF-style: chr7-82997301-C-G.
Other names: c.1749G>C, p.Arg583Ser (NM_001178129.2); short protein forms R583S, R643S.
Identifiers: ClinVar variation 2848607 (VCV002848607.3), dbSNP rs770041522, ClinGen allele CA367914553.

ClinVar aggregate classification (germline): Uncertain significance (1 of 4 stars; one submission).

Conditions:
CHARGE syndrome (CHARGE). Also called: Hittner Hirsch Kreh syndrome; CHARGE ASSOCIATION--COLOBOMA, HEART ANOMALY, CHOANAL ATRESIA, RETARDATION, GENITAL AND EAR ANOMALIES; Coloboma, heart anomaly, choanal atresia, retardation, genital and ear anomalies; CHARGE association; Hall-Hittner syndrome. Identifiers: Orphanet 138, MedGen C0265354, MONDO:0008965.

Submission:

Labcorp Genetics (formerly Invitae), Labcorp
Classification: Uncertain significance for CHARGE syndrome. Last evaluated: 2023-03-22. Review status: criteria provided, single submitter. Criteria: Invitae Variant Classification Sherloc (09022015). Collection method: clinical testing. Allele origin: germline.
Comment: In summary, the available evidence is currently insufficient to determine the role of this variant in disease. Therefore, it has been classified as a Variant of Uncertain Significance. This variant is not present in population databases (gnomAD no frequency). This variant has not been reported in the literature in individuals affected with SEMA3E-related conditions. Advanced modeling of protein sequence and biophysical properties (such as structural, functional, and spatial information, amino acid conservation, physicochemical variation, residue mobility, and thermodynamic stability) performed at Invitae indicates that this missense variant is not expected to disrupt SEMA3E protein function. This sequence change replaces arginine, which is basic and polar, with serine, which is neutral and polar, at codon 643 of the SEMA3E protein (p.Arg643Ser).